The following is an entry in ClinVar:

NM_001903.5(CTNNA1):c.734A>G (p.Tyr245Cys)

Gene: CTNNA1 (catenin alpha 1; plus strand). Cytogenetic location: 5q31.2.
Variant type: single nucleotide variant.
Coding change: c.734A>G on transcript NM_001903.5 (MANE Select); coding-DNA position 734, A replaced by G.
Protein change: p.Tyr245Cys; replaces tyrosine 245 with cysteine.
Molecular consequence: missense variant.
Genome position (GRCh38, 1-based): chr5:138,824,675, A>G. VCF-style: chr5-138824675-A-G. GRCh37 (hg19) VCF-style: chr5-138160364-A-G.
Other names: c.734A>G, p.Tyr245Cys (NM_001290307.3, NM_001323982.2, NM_001323983.1 and 3 more transcripts); c.425A>G, p.Tyr142Cys (NM_001290309.3); c.365A>G, p.Tyr122Cys (NM_001290310.3); short protein forms Y122C, Y142C, Y245C.
Identifiers: ClinVar variation 662415 (VCV000662415.13), dbSNP rs1581167854, ClinGen allele CA361129889.

ClinVar aggregate classification (germline): Uncertain significance. Review status: criteria provided, multiple submitters, no conflicts (2 of 4 stars). 4 submissions from 4 submitters: Uncertain significance (4). Last evaluated 2025-06-03.

Conditions:
Patterned macular dystrophy 2. Identifiers: Orphanet 99001, MedGen C1837029, MONDO:0012162, OMIM 608970.
Hereditary cancer-predisposing syndrome. Also called: Neoplastic Syndromes, Hereditary; Hereditary Cancer Syndrome; Tumor predisposition; Hereditary neoplastic syndrome. Identifiers: Orphanet 140162, MedGen C0027672, MeSH D009386, MONDO:0015356.

Allele frequency attached by ClinVar (database versions not stated): TOPMed below 0.00001.
gnomAD v4.1: 2 of 1,614,180 alleles (0.00012%); no homozygotes.

Submissions (4):

Labcorp Genetics (formerly Invitae), Labcorp
Classification: Uncertain significance. Last evaluated: 2025-06-03. Review status: criteria provided, single submitter. Criteria: Invitae Variant Classification Sherloc (09022015). Collection method: clinical testing. Allele origin: germline.
Comment: This sequence change replaces tyrosine, which is neutral and polar, with cysteine, which is neutral and slightly polar, at codon 245 of the CTNNA1 protein (p.Tyr245Cys). This variant is not present in population databases (gnomAD no frequency). This variant has not been reported in the literature in individuals affected with CTNNA1-related conditions. ClinVar contains an entry for this variant (Variation ID: 662415). An algorithm developed to predict the effect of missense changes on protein structure and function (PolyPhen-2) suggests that this variant is likely to be tolerated. In summary, the available evidence is currently insufficient to determine the role of this variant in disease. Therefore, it has been classified as a Variant of Uncertain Significance.

Ambry Genetics
Classification: Uncertain significance for Hereditary cancer-predisposing syndrome. Last evaluated: 2025-05-15. Review status: criteria provided, single submitter. Criteria: Ambry Variant Classification Scheme 2023. Collection method: clinical testing. Allele origin: germline.
Comment: The p.Y245C variant (also known as c.734A>G), located in coding exon 5 of the CTNNA1 gene, results from an A to G substitution at nucleotide position 734. The tyrosine at codon 245 is replaced by cysteine, an amino acid with highly dissimilar properties. This amino acid position is highly conserved in available vertebrate species. In addition, the in silico prediction for this alteration is inconclusive. Based on the available evidence, the clinical significance of this variant remains unclear.

Blueprint Genetics
Classification: Uncertain significance. Last evaluated: 2024-06-10. Review status: criteria provided, single submitter. Criteria: ACMG Guidelines, 2015. Collection method: clinical testing. Allele origin: germline.

Baylor Genetics
Classification: Uncertain significance for Patterned macular dystrophy 2. Last evaluated: 2023-08-14. Review status: criteria provided, single submitter. Criteria: ACMG Guidelines, 2015. Collection method: clinical testing. Allele origin: unknown.